The following is an entry in ClinVar:

NM_002439.5(MSH3):c.2658G>A (p.Glu886=)

Gene: MSH3 (mutS homolog 3; plus strand). Cytogenetic location: 5q14.1.
Variant type: single nucleotide variant.
Coding change: c.2658G>A on transcript NM_002439.5 (MANE Select); coding-DNA position 2658, G replaced by A.
Protein change: p.Glu886=; no amino-acid change (glutamic acid 886 retained).
Molecular consequence: synonymous variant.
Genome position (GRCh38, 1-based): chr5:80,813,586, G>A. VCF-style: chr5-80813586-G-A. GRCh37 (hg19) VCF-style: chr5-80109405-G-A.
Identifiers: ClinVar variation 1577076 (VCV001577076.11), dbSNP rs778360209, ClinGen allele CA3328322.

ClinVar aggregate classification (germline): Conflicting classifications of pathogenicity. Review status: criteria provided, conflicting classifications (1 of 4 stars). 2 submissions from 2 submitters: Uncertain significance (1); Likely benign (1). Last evaluated 2025-12-19.

Conditions:
Hereditary cancer-predisposing syndrome. Also called: Tumor predisposition; Hereditary Cancer Syndrome; Hereditary neoplastic syndrome; Neoplastic Syndromes, Hereditary. Identifiers: Orphanet 140162, MedGen C0027672, MeSH D009386, MONDO:0015356.

Allele frequency attached by ClinVar (database versions not stated): ExAC 0.00001; gnomAD exomes 0.00001.
gnomAD v4.1: 3 of 1,614,032 alleles (0.00019%); highest among the groups gnomAD compares: South Asian, 0.0011%; no homozygotes.

Submissions (2):

Ambry Genetics
Classification: Uncertain significance for Hereditary cancer-predisposing syndrome. Last evaluated: 2025-12-19. Review status: criteria provided, single submitter. Criteria: Ambry Variant Classification Scheme 2023. Collection method: clinical testing. Allele origin: germline.
Comment: The c.2658G>A variant (also known as p.E886E), located in coding exon 20 of the MSH3 gene, results from a G to A substitution at nucleotide position 2658. This nucleotide substitution does not change the glutamic acid at codon 886. This nucleotide position is not well conserved in available vertebrate species. In silico splice site analysis predicts that this alteration may result in the creation or strengthening of a novel splice acceptor site. Based on the available evidence, the clinical significance of this variant remains unclear.

Labcorp Genetics (formerly Invitae), Labcorp
Classification: Likely benign. Last evaluated: 2023-09-08. Review status: criteria provided, single submitter. Criteria: Invitae Variant Classification Sherloc (09022015). Collection method: clinical testing. Allele origin: germline.